The following is an entry in ClinVar:

NM_001190787.3(MCIDAS):c.1054A>C (p.Ile352Leu)

Gene: MCIDAS (multiciliate differentiation and DNA synthesis associated cell cycle protein; minus strand). Cytogenetic location: 5q11.2.
Variant type: single nucleotide variant.
Coding change: c.1054A>C on transcript NM_001190787.3 (MANE Select); coding-DNA position 1054, A replaced by C.
Protein change: p.Ile352Leu; replaces isoleucine 352 with leucine.
Molecular consequence: missense variant.
Genome position (GRCh38, 1-based): chr5:55,220,470, T>G on the plus strand (A>C on the coding strand, the complement: MCIDAS is on the minus strand). VCF-style: chr5-55220470-T-G. GRCh37 (hg19) VCF-style: chr5-54516298-T-G.
Other names: short protein forms I352L.
Identifiers: ClinVar variation 575374 (VCV000575374.1), dbSNP rs1561114463, ClinGen allele CA359730695.

ClinVar aggregate classification (germline): Uncertain significance (1 of 4 stars; one submission).

Conditions:
Primary ciliary dyskinesia. Also called: Ciliary dyskinesia. Identifiers: Orphanet 244, MedGen C0008780, MONDO:0016575, HP:0012265.

Submission:

Labcorp Genetics (formerly Invitae), Labcorp
Classification: Uncertain significance for Ciliary dyskinesia. Last evaluated: 2018-01-16. Review status: criteria provided, single submitter. Criteria: Invitae Variant Classification Sherloc (09022015). Collection method: clinical testing. Allele origin: germline.
Comment: This sequence change replaces isoleucine with leucine at codon 352 of the MCIDAS protein (p.Ile352Leu). The isoleucine residue is highly conserved and there is a small physicochemical difference between isoleucine and leucine. While this variant is not present in population databases, the frequency information is unreliable, as metrics indicate poor data quality at this position in the ExAC database. This variant has not been reported in the literature in individuals with MCIDAS-related disease. Algorithms developed to predict the effect of missense changes on protein structure and function do not agree on the potential impact of this missense change (SIFT: "Tolerated"; PolyPhen-2: "Probably Damaging"; Align-GVGD: "Class C0"). In summary, the available evidence is currently insufficient to determine the role of this variant in disease. Therefore, it has been classified as a Variant of Uncertain Significance.